The following is an entry in ClinVar:

ClinVar aggregate classification (germline): Uncertain significance. Review status: criteria provided, multiple submitters, no conflicts (2 of 4 stars). 3 submissions from 3 submitters: Uncertain significance (3). Last evaluated 2025-09-16.

Conditions:
Inborn genetic diseases. Identifiers: MedGen C0950123, MeSH D030342.

gnomAD v4.1: 8 of 1,614,016 alleles (0.0005%); highest among the groups gnomAD compares: Non-Finnish European, 0.00068%; no homozygotes.

Submissions (3):

GeneDx
Classification: Uncertain significance. Last evaluated: 2025-09-16. Review status: criteria provided, single submitter. Criteria: GeneDx Variant Classification Process June 2021. Collection method: clinical testing. Allele origin: germline. Affected: yes.
Comment: Not observed at significant frequency in large population cohorts (gnomAD); In silico analysis supports that this missense variant has a deleterious effect on protein structure/function; Has not been previously published as pathogenic or benign to our knowledge

Ambry Genetics
Classification: Uncertain significance for Inborn genetic diseases. Last evaluated: 2024-09-04. Review status: criteria provided, single submitter. Criteria: Ambry Variant Classification Scheme 2023. Collection method: clinical testing. Allele origin: germline.

Labcorp Genetics (formerly Invitae), Labcorp
Classification: Uncertain significance. Last evaluated: 2024-04-12. Review status: criteria provided, single submitter. Criteria: Invitae Variant Classification Sherloc (09022015). Collection method: clinical testing. Allele origin: germline.
Comment: This sequence change replaces serine, which is neutral and polar, with arginine, which is basic and polar, at codon 708 of the OPA1 protein (p.Ser708Arg). This variant is present in population databases (no rsID available, gnomAD 0.0009%). This variant has not been reported in the literature in individuals affected with OPA1-related conditions. Advanced modeling of protein sequence and biophysical properties (such as structural, functional, and spatial information, amino acid conservation, physicochemical variation, residue mobility, and thermodynamic stability) performed at Invitae indicates that this missense variant is not expected to disrupt OPA1 protein function with a negative predictive value of 80%. In summary, the available evidence is currently insufficient to determine the role of this variant in disease. Therefore, it has been classified as a Variant of Uncertain Significance.

NM_130837.3(OPA1):c.2289T>G (p.Ser763Arg)

Gene: OPA1 (OPA1 mitochondrial dynamin like GTPase; plus strand). Cytogenetic location: 3q29.
Variant type: single nucleotide variant.
Coding change: c.2289T>G on transcript NM_130837.3 (MANE Select); coding-DNA position 2289, T replaced by G.
Protein change: p.Ser763Arg; replaces serine 763 with arginine.
Molecular consequence: missense variant.
Genome position (GRCh38, 1-based): chr3:193,657,190, T>G. VCF-style: chr3-193657190-T-G. GRCh37 (hg19) VCF-style: chr3-193374979-T-G.
Other names: c.2235T>G, p.Ser745Arg (NM_130836.3); c.1755T>G, p.Ser585Arg (NM_001354663.2); c.1752T>G, p.Ser584Arg (NM_001354664.2); c.2124T>G, p.Ser708Arg (NM_015560.3); c.2016T>G, p.Ser672Arg (NM_130831.3); c.2070T>G, p.Ser690Arg (NM_130832.3); c.2127T>G, p.Ser709Arg (NM_130833.3); c.2178T>G, p.Ser726Arg (NM_130834.3); and 1 more; short protein forms S584R, S585R, S672R, S690R, S708R, S709R, S726R, S727R.
Identifiers: ClinVar variation 3383804 (VCV003383804.5).